The following is an entry in ClinVar:

ClinVar aggregate classification (germline): Likely pathogenic (1 of 4 stars; one submission).

Conditions:
Early-infantile DEE. Also called: Early infantile epileptic encephalopathy; Ohtahara syndrome; Early infantile epileptic encephalopathy with suppression bursts. Identifiers: Orphanet 1934, MedGen C0393706, MONDO:0800491.

Submission:

Labcorp Genetics (formerly Invitae), Labcorp
Classification: Likely pathogenic for Early-infantile DEE. Last evaluated: 2024-06-13. Review status: criteria provided, single submitter. Criteria: Invitae Variant Classification Sherloc (09022015). Collection method: clinical testing. Allele origin: germline.
Comment: This sequence change affects an acceptor splice site in intron 8 of the SLC25A22 gene. It is expected to disrupt RNA splicing. Variants that disrupt the donor or acceptor splice site typically lead to a loss of protein function (PMID: 16199547), and loss-of-function variants in SLC25A22 are known to be pathogenic (PMID: 15592994, 19780765). This variant is not present in population databases (gnomAD no frequency). This variant has not been reported in the literature in individuals affected with SLC25A22-related conditions. Algorithms developed to predict the effect of sequence changes on RNA splicing suggest that this variant may disrupt the consensus splice site. In summary, the currently available evidence indicates that the variant is pathogenic, but additional data are needed to prove that conclusively. Therefore, this variant has been classified as Likely Pathogenic.

Literature cited by the submitters: PubMed 16199547; PubMed 15592994; PubMed 19780765.

NM_001191061.2(SLC25A22):c.743-2A>C

Gene: SLC25A22 (solute carrier family 25 member 22; minus strand). Cytogenetic location: 11p15.5.
Variant type: single nucleotide variant.
Coding change: c.743-2A>C on transcript NM_001191061.2 (MANE Select); the canonical splice acceptor site of the intron before coding-DNA position 743, A replaced by C.
Molecular consequence: splice acceptor variant.
Genome position (GRCh38, 1-based): chr11:792,219, T>G on the plus strand (A>C on the coding strand, the complement: SLC25A22 is on the minus strand). VCF-style: chr11-792219-T-G. GRCh37 (hg19) VCF-style: chr11-792219-T-G.
Other names: c.743-2A>C (NM_001425339.1, NM_001425343.1, NM_001425342.1 and 4 more transcripts); c.731-2A>C (NM_001425341.1); c.740-2A>C (NM_001425340.1); c.758-2A>C (NM_001425336.1); c.782-2A>C (NM_001425335.1); c.425-2A>C (NM_001425344.1); c.818-2A>C (NM_001425334.1).
Identifiers: ClinVar variation 3606108 (VCV003606108.2).
Genomic context (GRCh38, chr11:792,219, plus strand): 5'-CCCAGAGTAGGTGTCCTCGTTGACGCCTCGCTGAAGTGACTGGAGCCGCGTCTTCACCAC[T>G]GCAAGGGGCGCTCGGGTCAGTGTGAGCCTGGCCAAGGGCTCAGTCCCGCCCCATCCCCAG-3'